The following is an entry in ClinVar:

NM_020702.5(MYORG):c.1873G>T (p.Glu625Ter)

Gene: MYORG (myogenesis regulating glycosidase; minus strand). Cytogenetic location: 9p13.3.
Variant type: single nucleotide variant.
Coding change: c.1873G>T on transcript NM_020702.5 (MANE Select); coding-DNA position 1873, G replaced by T.
Protein change: p.Glu625Ter; replaces glutamic acid 625 with a stop codon.
Molecular consequence: nonsense.
Genome position (GRCh38, 1-based): chr9:34,371,071, C>A on the plus strand (G>T on the coding strand, the complement: MYORG is on the minus strand). VCF-style: chr9-34371071-C-A. GRCh37 (hg19) VCF-style: chr9-34371069-C-A.
Other names: short protein forms E625*.
Identifiers: ClinVar variation 1806199 (VCV001806199.1), dbSNP rs1237086797, ClinGen allele CA373239772.
Genomic context (GRCh38, chr9:34,371,071, plus strand): 5'-CGTCGCCGGGCGCAATCCACCAAAGGGGGCGCACGATAGGGTCACCCGTGTCGGTGACCT[C>A]GCCCGCCAGCTCAAGCAACAGCGGTGCCACAAGCGAGGCCCGCAGGGCGGCGAACTTCTG-3'

ClinVar aggregate classification (germline): Likely pathogenic (1 of 4 stars; one submission).

Conditions:
Basal ganglia calcification, idiopathic, 7, autosomal recessive. Also called: PRIMARY FAMILIAL BRAIN CALCIFICATION 7, AUTOSOMAL RECESSIVE. Identifiers: MedGen C5193025, MONDO:0032673, OMIM 618317.

Allele frequency attached by ClinVar (database versions not stated): gnomAD exomes below 0.00001.
gnomAD v4.1: 2 of 1,609,818 alleles (0.00012%); highest among the groups gnomAD compares: Non-Finnish European, 0.00017%; no homozygotes.

Submission:

Victorian Clinical Genetics Services, Murdoch Childrens Research Institute
Classification: Likely pathogenic for Basal ganglia calcification, idiopathic, 7, autosomal recessive. Last evaluated: 2021-05-06. Review status: criteria provided, single submitter. Criteria: ACMG Guidelines, 2015. Collection method: clinical testing. Allele origin: germline. Inheritance: Autosomal recessive inheritance. Affected: yes.
Comment: Based on the classification scheme VCGS_Germline_v1.3.4, this variant is classified as Likely pathogenic. Following criteria are met: 0102 - Loss of function is a known mechanism of disease in this gene and is associated with idiopathic basal ganglia calcification, 7 (MIM#618317). (I) 0106 - This gene is associated with autosomal recessive disease. (I) 0115 - Variants in this gene are known to have variable expressivity, where both intra- and interfamilial variability has been reported (PMID: 32211515). (I) 0205 - Variant is predicted to result in a truncated protein (PTV) (premature termination codon is NOT located at least 54 nucleotides upstream of the final exon-exon junction) with less than 1/3 of the protein sequence affected. (SP) 0251 - This variant is heterozygous. (I) 0304 - Variant is present in gnomAD (v2) <0.01 for a recessive condition (1 heterozygote, 0 homozygotes). (SP) 0600 - Variant results in the loss of part of the annotated glycosidase domain (PMID: 32211515). (I) 0704 - Another PTV comparable to the one identified in this case has limited previous evidence for pathogenicity. This variant (p.Leu696Profs*10) has been reported in a compound heterozygous patient with primary familial brain calcification (PMID: 32211515). Several additional downstream missense variants have also been reported in homozygous or compound heterozygous patients with familial primary brain calcification (PMID: 30649222, PMID: 32211515, PMID: 31009047). (SP) 0807 - This variant has no previous evidence of pathogenicity. (I) 0905 - No published segregation evidence has been identified for this variant. (I) 1007 - No published functional evidence has been identified for this variant. (I) 1102 - Strong phenotype match for this individual. (SP) 1208 - Inheritance information for this variant is not currently available in this individual. (I) Legend: (SP) - Supporting pathogenic, (I) - Information, (SB) - Supporting benign

Literature cited by the submitters: PubMed 30649222; PubMed 31009047; PubMed 32211515.